The following is an entry in ClinVar:

NM_014847.4(UBAP2L):c.1846C>T (p.Gln616Ter)

Gene: UBAP2L (ubiquitin associated protein 2 like; plus strand). Cytogenetic location: 1q21.3.
Variant type: single nucleotide variant.
Coding change: c.1846C>T on transcript NM_014847.4 (MANE Select); coding-DNA position 1846, C replaced by T.
Protein change: p.Gln616Ter; replaces glutamine 616 with a stop codon.
Molecular consequence: nonsense.
Genome position (GRCh38, 1-based): chr1:154,254,081, C>T. VCF-style: chr1-154254081-C-T. GRCh37 (hg19) VCF-style: chr1-154226557-C-T.
Other names: c.1846C>T, p.Gln616Ter (NM_001127320.3, NM_001375614.1, NM_001375615.1 and 14 more transcripts); c.1825C>T, p.Gln609Ter (NM_001287815.1); c.1879C>T, p.Gln627Ter (NM_001287816.1, NM_001330730.1, NM_001375612.1 and 2 more transcripts); short protein forms Q609*, Q616*, Q627*.
Identifiers: ClinVar variation 2430740 (VCV002430740.1), dbSNP rs2528067118, ClinGen allele CA342608681.

ClinVar aggregate classification (germline): Pathogenic (1 of 4 stars; one submission).

Submission:

GeneDx
Classification: Pathogenic. Last evaluated: 2022-10-03. Review status: criteria provided, single submitter. Criteria: GeneDx Variant Classification Process June 2021. Collection method: clinical testing. Allele origin: germline. Affected: yes.
Comment: Nonsense variant predicted to result in protein truncation or nonsense mediated decay in a gene for which loss of function is a known mechanism of disease; Not observed in large population cohorts (gnomAD); This variant is associated with the following publications: (PMID: 35977029)